The following is an entry in ClinVar:

ClinVar aggregate classification (germline): Uncertain significance (1 of 4 stars; one submission).

Submission:

Labcorp Genetics (formerly Invitae), Labcorp
Classification: Uncertain significance. Last evaluated: 2025-06-03. Review status: criteria provided, single submitter. Criteria: Invitae Variant Classification Sherloc (09022015). Collection method: clinical testing. Allele origin: germline.
Comment: This sequence change replaces alanine, which is neutral and non-polar, with proline, which is neutral and non-polar, at codon 802 of the CDH23 protein (p.Ala802Pro). This variant is not present in population databases (gnomAD no frequency). This variant has not been reported in the literature in individuals affected with CDH23-related conditions. Invitae Evidence Modeling of protein sequence and biophysical properties (such as structural, functional, and spatial information, amino acid conservation, physicochemical variation, residue mobility, and thermodynamic stability) has been performed for this missense variant. However, the output from this modeling did not meet the statistical confidence thresholds required to predict the impact of this variant on CDH23 protein function. In summary, the available evidence is currently insufficient to determine the role of this variant in disease. Therefore, it has been classified as a Variant of Uncertain Significance.

NM_022124.6(CDH23):c.2404G>C (p.Ala802Pro)

Gene: CDH23 (cadherin related 23; plus strand). Cytogenetic location: 10q22.1.
Variant type: single nucleotide variant.
Coding change: c.2404G>C on transcript NM_022124.6 (MANE Select); coding-DNA position 2404, G replaced by C.
Protein change: p.Ala802Pro; replaces alanine 802 with proline.
Molecular consequence: missense variant.
Genome position (GRCh38, 1-based): chr10:71,702,028, G>C. VCF-style: chr10-71702028-G-C. GRCh37 (hg19) VCF-style: chr10-73461785-G-C.
Other names: c.2404G>C, p.Ala802Pro (NM_001171930.2, NM_001171931.2); short protein forms A802P.
Identifiers: ClinVar variation 4802626 (VCV004802626.1).